The following is an entry in ClinVar:

ClinVar aggregate classification (germline): Uncertain significance (1 of 4 stars; one submission).

Allele frequency attached by ClinVar (database versions not stated): gnomAD exomes below 0.00001.
gnomAD v4.1: 3 of 1,613,720 alleles (0.00019%); highest among the groups gnomAD compares: Non-Finnish European, 0.00017%; no homozygotes.

Submission:

Women's Health and Genetics/Laboratory Corporation of America, LabCorp
Classification: Uncertain significance. Last evaluated: 2023-12-05. Review status: criteria provided, single submitter. Criteria: LabCorp Variant Classification Summary - May 2015. Collection method: clinical testing. Allele origin: germline.
Comment: Variant summary: EFTUD2 c.595C>T (p.Leu199Phe) results in a non-conservative amino acid change located in the Translational (tr)-type GTP-binding domain (IPR000795) of the encoded protein sequence. Five of five in-silico tools predict a damaging effect of the variant on protein function. The variant was absent in 251266 control chromosomes. The available data on variant occurrences in the general population are insufficient to allow any conclusion about variant significance. To our knowledge, no occurrence of c.595C>T in individuals affected with Mandibulofacial Dysostosis-Microcephaly Syndrome and no experimental evidence demonstrating its impact on protein function have been reported. No submitters have cited clinical-significance assessments for this variant to ClinVar after 2014. Based on the evidence outlined above, the variant was classified as uncertain significance.

NM_004247.4(EFTUD2):c.595C>T (p.Leu199Phe)

Gene: EFTUD2 (elongation factor Tu GTP binding domain containing 2; minus strand). Cytogenetic location: 17q21.31.
Variant type: single nucleotide variant.
Coding change: c.595C>T on transcript NM_004247.4 (MANE Select); coding-DNA position 595, C replaced by T.
Protein change: p.Leu199Phe; replaces leucine 199 with phenylalanine.
Molecular consequence: missense variant.
Genome position (GRCh38, 1-based): chr17:44,880,578, G>A on the plus strand (C>T on the coding strand, the complement: EFTUD2 is on the minus strand). VCF-style: chr17-44880578-G-A. GRCh37 (hg19) VCF-style: chr17-42957946-G-A.
Other names: c.490C>T, p.Leu164Phe (NM_001142605.2); c.595C>T, p.Leu199Phe (NM_001258353.2); c.565C>T, p.Leu189Phe (NM_001258354.2); short protein forms L164F, L189F, L199F.
Identifiers: ClinVar variation 2691471 (VCV002691471.1), dbSNP rs2051055433, ClinGen allele CA399823095.